The following is an entry in ClinVar:

ClinVar aggregate classification (germline): Uncertain significance. Review status: criteria provided, multiple submitters, no conflicts (2 of 4 stars). 5 submissions from 5 submitters: Uncertain significance (5). Last evaluated 2024-10-23.

Conditions:
Neuronal ceroid lipofuscinosis. Also called: Neuronal Ceroid Lipofuscinoses. Identifiers: Orphanet 216, Orphanet 79263, MedGen C0027877, MONDO:0016295. Disease mechanism: loss of function.
Neuronal ceroid lipofuscinosis 10 (CLN10). Also called: NEURONAL CEROID LIPOFUSCINOSIS DUE TO CATHEPSIN D DEFICIENCY; CTSD-Related Neuronal Ceroid-Lipofuscinosis. Identifiers: Orphanet 228337, MedGen C1864669, MONDO:0012414, OMIM 610127.

Allele frequency attached by ClinVar (database versions not stated): ExAC 0.00004; gnomAD 0.00004 and 0.00006; gnomAD exomes 0.00004 and 0.00008; TOPMed 0.00006; ESP Exome Variant Server 0.00015; 1000 Genomes Project 0.00020; 1000 Genomes Project 30x 0.00031.
gnomAD v4.1: 126 of 1,613,592 alleles (0.0078%); highest among the groups gnomAD compares: Non-Finnish European, 0.009%; no homozygotes.

Submissions (5):

Labcorp Genetics (formerly Invitae), Labcorp
Classification: Uncertain significance for Neuronal ceroid lipofuscinosis. Last evaluated: 2024-10-23. Review status: criteria provided, single submitter. Criteria: Invitae Variant Classification Sherloc (09022015). Collection method: clinical testing. Allele origin: germline.
Comment: This sequence change replaces valine, which is neutral and non-polar, with isoleucine, which is neutral and non-polar, at codon 95 of the CTSD protein (p.Val95Ile). The frequency data for this variant in the population databases is considered unreliable, as metrics indicate poor data quality at this position in the gnomAD database. This variant has not been reported in the literature in individuals affected with CTSD-related conditions. ClinVar contains an entry for this variant (Variation ID: 423805). Invitae Evidence Modeling of protein sequence and biophysical properties (such as structural, functional, and spatial information, amino acid conservation, physicochemical variation, residue mobility, and thermodynamic stability) indicates that this missense variant is not expected to disrupt CTSD protein function with a negative predictive value of 80%. Experimental studies have shown that this missense change does not substantially affect CTSD function (PMID: 33681191). In summary, the available evidence is currently insufficient to determine the role of this variant in disease. Therefore, it has been classified as a Variant of Uncertain Significance.

Blueprint Genetics
Classification: Uncertain significance. Last evaluated: 2024-08-07. Review status: criteria provided, single submitter. Criteria: ACMG Guidelines, 2015. Collection method: clinical testing. Allele origin: germline.

Women's Health and Genetics/Laboratory Corporation of America, LabCorp
Classification: Uncertain significance. Last evaluated: 2022-02-18. Review status: criteria provided, single submitter. Criteria: LabCorp Variant Classification Summary - May 2015. Collection method: clinical testing. Allele origin: germline.
Comment: Variant summary: CTSD c.283G>A (p.Val95Ile) results in a conservative amino acid change located in the Peptidase family A1 domain (IPR033121) of the encoded protein sequence. Four of five in-silico tools predict a benign effect of the variant on protein function. The variant allele was found at a frequency of 4.3e-05 in 255174 control chromosomes (gnomAD and publication data). This frequency is not significantly higher than expected for a pathogenic variant in CTSD causing Neuronal Ceroid-Lipofuscinosis (Batten Disease) (4.3e-05 vs 0.00035), allowing no conclusion about variant significance. At least one cellular and functional study reports experimental evidence evaluating an impact on protein function. These results showed no damaging effect of this variant. To our knowledge, no occurrence of c.283G>A in individuals affected with Neuronal Ceroid-Lipofuscinosis (Batten Disease) have been reported. Three ClinVar submitters (evaluation after 2014) cite the variant as uncertain significance. Based on the evidence outlined above, the variant was classified as uncertain significance.

GeneDx
Classification: Uncertain significance. Last evaluated: 2019-01-08. Review status: criteria provided, single submitter. Criteria: GeneDx Variant Classification (06012015). Collection method: clinical testing. Allele origin: germline. Affected: yes.
Comment: A variant of uncertain significance has been identified in the CTSD gene. The V95I variant has not been published as a pathogenic variant, nor has it been reported as a benign variant to our knowledge. The V95I variant is not observed at a significant frequency in large population cohorts (Lek et al., 2016; 1000 Genomes Consortium et al., 2015; Exome Variant Server). The V95I variant is a conservative amino acid substitution, which is not likely to impact secondary protein structure as these residues share similar properties. This substitution occurs at a position where amino acids with similar properties to Valine are tolerated across species. However, in silico analysis is inconsistent in its predictions as to whether or not the variant is damaging to the protein structure/function. Therefore, based on the currently available information, it is unclear whether this variant is a pathogenic variant or a rare benign variant.

Illumina Laboratory Services, Illumina
Classification: Uncertain significance for Neuronal ceroid lipofuscinosis 10. Last evaluated: 2017-04-27. Review status: criteria provided, single submitter. Criteria: ICSL Variant Classification Criteria 13 December 2019. Collection method: clinical testing. Allele origin: germline.

Literature cited by the submitters: PubMed 33681191 (cited by Labcorp Genetics (formerly Invitae), Labcorp and Women's Health and Genetics/Laboratory Corporation of America, LabCorp); PubMed 29140481 (cited by Women's Health and Genetics/Laboratory Corporation of America, LabCorp); PubMed 27249223 (cited by Women's Health and Genetics/Laboratory Corporation of America, LabCorp).

NM_001909.5(CTSD):c.283G>A (p.Val95Ile)

Gene: CTSD (cathepsin D; minus strand). Cytogenetic location: 11p15.5.
Variant type: single nucleotide variant.
Coding change: c.283G>A on transcript NM_001909.5 (MANE Select); coding-DNA position 283, G replaced by A.
Protein change: p.Val95Ile; replaces valine 95 with isoleucine.
Molecular consequence: missense variant.
Genome position (GRCh38, 1-based): chr11:1,759,585, C>T on the plus strand (G>A on the coding strand, the complement: CTSD is on the minus strand). VCF-style: chr11-1759585-C-T. GRCh37 (hg19) VCF-style: chr11-1780815-C-T.
Other names: short protein forms V95I.
Identifiers: ClinVar variation 423805 (VCV000423805.15), dbSNP rs141482597, ClinGen allele CA5814241.